The following is an entry in ClinVar:

NM_198525.3(KIF7):c.1357G>T (p.Ala453Ser)

Gene: KIF7 (kinesin family member 7; minus strand). Cytogenetic location: 15q26.1.
Variant type: single nucleotide variant.
Coding change: c.1357G>T on transcript NM_198525.3 (MANE Select); coding-DNA position 1357, G replaced by T.
Protein change: p.Ala453Ser; replaces alanine 453 with serine.
Molecular consequence: missense variant.
Genome position (GRCh38, 1-based): chr15:89,648,341, C>A on the plus strand (G>T on the coding strand, the complement: KIF7 is on the minus strand). VCF-style: chr15-89648341-C-A. GRCh37 (hg19) VCF-style: chr15-90191572-C-A.
Other names: short protein forms A453S.
Identifiers: ClinVar variation 4802252 (VCV004802252.1).

ClinVar aggregate classification (germline): Uncertain significance (1 of 4 stars; one submission).

Conditions:
Acrocallosal syndrome (ACLS). Also called: HALLUX DUPLICATION, POSTAXIAL POLYDACTYLY, AND ABSENCE OF CORPUS CALLOSUM; Schinzel syndrome 1; Absence of corpus callosum with unusual facial appearance, mental deficiency, duplication of the halluces and polydactyly. Identifiers: Orphanet 36, MedGen C0796147, MONDO:0008708, OMIM 200990.

gnomAD v4.1: 28 of 1,479,542 alleles (0.0019%); highest among the groups gnomAD compares: Non-Finnish European, 0.0023%; no homozygotes.

Submission:

Labcorp Genetics (formerly Invitae), Labcorp
Classification: Uncertain significance for Acrocallosal syndrome. Last evaluated: 2026-01-12. Review status: criteria provided, single submitter. Criteria: Invitae Variant Classification Sherloc (09022015). Collection method: clinical testing. Allele origin: germline.
Comment: This sequence change replaces alanine, which is neutral and non-polar, with serine, which is neutral and polar, at codon 453 of the KIF7 protein (p.Ala453Ser). This variant is not present in population databases (gnomAD no frequency). This variant has not been reported in the literature in individuals affected with KIF7-related conditions. Invitae Evidence Modeling of protein sequence and biophysical properties (such as structural, functional, and spatial information, amino acid conservation, physicochemical variation, residue mobility, and thermodynamic stability) indicates that this missense variant is not expected to disrupt KIF7 protein function with a negative predictive value of 80%. In summary, the available evidence is currently insufficient to determine the role of this variant in disease. Therefore, it has been classified as a Variant of Uncertain Significance.